The following is an entry in ClinVar:

ClinVar aggregate classification (germline): Uncertain significance (1 of 4 stars; one submission).

Conditions:
Ehlers-Danlos syndrome, type 4 (EDSVASC). Also called: Ehlers-Danlos syndrome vascular type; Ehlers Danlos syndrome, ecchymotic type; Ehlers Danlos syndrome, arterial type; Ehlers Danlos syndrome, Sack-Barabas type; Ehlers-Danlos Syndrome Type IV. Identifiers: Orphanet 286, MedGen C0268338, MONDO:0017314, OMIM 130050.

gnomAD v4.1: 1 of 1,613,708 alleles (0.000062%); highest among the groups gnomAD compares: African/African-American, 0.0013%; no homozygotes.

Submission:

Labcorp Genetics (formerly Invitae), Labcorp
Classification: Uncertain significance for Ehlers-Danlos syndrome, type 4. Last evaluated: 2024-03-08. Review status: criteria provided, single submitter. Criteria: Invitae Variant Classification Sherloc (09022015). Collection method: clinical testing. Allele origin: germline.
Comment: This sequence change replaces aspartic acid, which is acidic and polar, with glutamic acid, which is acidic and polar, at codon 464 of the COL3A1 protein (p.Asp464Glu). This variant is not present in population databases (gnomAD no frequency). This variant has not been reported in the literature in individuals affected with COL3A1-related conditions. Advanced modeling of protein sequence and biophysical properties (such as structural, functional, and spatial information, amino acid conservation, physicochemical variation, residue mobility, and thermodynamic stability) performed at Invitae indicates that this missense variant is not expected to disrupt COL3A1 protein function with a negative predictive value of 95%. In summary, the available evidence is currently insufficient to determine the role of this variant in disease. Therefore, it has been classified as a Variant of Uncertain Significance.

NM_000090.4(COL3A1):c.1392T>A (p.Asp464Glu)

Gene: COL3A1 (collagen type III alpha 1 chain; plus strand). Cytogenetic location: 2q32.2.
Variant type: single nucleotide variant.
Coding change: c.1392T>A on transcript NM_000090.4 (MANE Select); coding-DNA position 1392, T replaced by A.
Protein change: p.Asp464Glu; replaces aspartic acid 464 with glutamic acid.
Molecular consequence: missense variant.
Genome position (GRCh38, 1-based): chr2:188,994,768, T>A. VCF-style: chr2-188994768-T-A. GRCh37 (hg19) VCF-style: chr2-189859494-T-A.
Other names: short protein forms D464E.
Identifiers: ClinVar variation 3605114 (VCV003605114.2).